The following is an entry in ClinVar:

NC_000011.9:g.(?_103036607)_(103036797_?)del

Gene: DYNC2H1 (dynein cytoplasmic 2 heavy chain 1; plus strand). Cytogenetic location: 11q22.3.
Variant type: Deletion.
Identifiers: ClinVar variation 3244560 (VCV003244560.1).

ClinVar aggregate classification (germline): Pathogenic (1 of 4 stars; one submission).

Conditions:
Jeune thoracic dystrophy. Also called: Jeune's syndrome; Chondroectodermal dysplasia-like syndrome; Short-rib thoracic dysplasia; Jeune syndrome; Infantile thoracic dystrophy; Thoracic pelvic phalangeal dystrophy. Identifiers: Orphanet 474, MedGen C0265275, MONDO:0018770.

Submission:

Labcorp Genetics (formerly Invitae), Labcorp
Classification: Pathogenic for Jeune thoracic dystrophy. Last evaluated: 2024-01-15. Review status: criteria provided, single submitter. Criteria: Invitae Variant Classification Sherloc (09022015). Collection method: clinical testing. Allele origin: unknown.
Comment: This variant is a gross deletion of the genomic region encompassing exon(s) 31 of the DYNC2H1 gene. This deletion is out-of-frame, and is expected to create a premature termination codon and result in an absent or disrupted protein product. Loss-of-function variants in DYNC2H1 are known to be pathogenic (PMID: 23339108, 32753734, 33755199). This variant has not been reported in the literature in individuals affected with DYNC2H1-related conditions. For these reasons, this variant has been classified as Pathogenic.

Literature cited by the submitters: PubMed 23339108; PubMed 32753734; PubMed 33755199.